The following is an entry in ClinVar:

NM_002225.5(IVD):c.960+8G>A

Gene: IVD (isovaleryl-CoA dehydrogenase; plus strand). Cytogenetic location: 15q15.1.
Variant type: single nucleotide variant.
Coding change: c.960+8G>A on transcript NM_002225.5 (MANE Select); 8 bases into the intron after coding-DNA position 960, G replaced by A.
Molecular consequence: intron variant.
Genome position (GRCh38, 1-based): chr15:40,415,490, G>A. VCF-style: chr15-40415490-G-A. GRCh37 (hg19) VCF-style: chr15-40707689-G-A.
Other names: c.969+8G>A (NM_002225.3); c.1047+8G>A (NM_001354600.3, NM_001354599.3); c.960+8G>A (NM_001354598.3, NM_001354601.3); c.912+8G>A (NM_001354597.3); c.870+8G>A (NM_001159508.3).
Identifiers: ClinVar variation 1140612 (VCV001140612.11), dbSNP rs531429598, ClinGen allele CA7480807.

ClinVar aggregate classification (germline): Likely benign. Review status: criteria provided, single submitter (1 of 4 stars). 2 submissions from 2 submitters: Likely benign (1). 1 of the submissions does not count toward it. Last evaluated 2024-05-24.

Conditions:
IVD-related disorder. Also called: IVD-related condition.
Isovaleryl-CoA dehydrogenase deficiency (IVA). Also called: Classic Isovaleric Acidemia; ISOVALERIC ACID CoA DEHYDROGENASE DEFICIENCY; Isovaleric acidemia; IVD DEFICIENCY. Identifiers: Orphanet 33, MedGen C0268575, MONDO:0009475, OMIM 243500.

Allele frequency attached by ClinVar (database versions not stated): ExAC 0.00001; TOPMed 0.00002; gnomAD 0.00003; 1000 Genomes Project 30x 0.00016; 1000 Genomes Project 0.00020.
gnomAD v4.1: 12 of 1,612,616 alleles (0.00074%); highest among the groups gnomAD compares: African/African-American, 0.0067%; no homozygotes.

Submissions (2):

Labcorp Genetics (formerly Invitae), Labcorp
Classification: Likely benign for Isovaleryl-CoA dehydrogenase deficiency. Last evaluated: 2024-05-24. Review status: criteria provided, single submitter. Criteria: Invitae Variant Classification Sherloc (09022015). Collection method: clinical testing. Allele origin: germline.

PreventionGenetics, part of Exact Sciences
Classification: Likely benign for IVD-related condition. Last evaluated: 2019-05-03. Review status: no assertion criteria provided. Collection method: clinical testing. Allele origin: germline. Not counted in ClinVar's aggregate classification.
Comment: This variant is classified as likely benign based on ACMG/AMP sequence variant interpretation guidelines (Richards et al. 2015 PMID: 25741868, with internal and published modifications).